The following is an entry in ClinVar:

ClinVar aggregate classification (germline): Uncertain significance (1 of 4 stars; one submission).

Conditions:
Congenital disorder of glycosylation type Ir (CDG1R). Also called: DDOST-congenital disorder of glycosylation. Identifiers: Orphanet 300536, MedGen C3281084, MONDO:0013789, OMIM 614507.

Allele frequency attached by ClinVar (database versions not stated): gnomAD exomes below 0.00001; ExAC 0.00001.
gnomAD v4.1: 1 of 1,613,974 alleles (0.000062%); highest among the groups gnomAD compares: South Asian, 0.0011%; no homozygotes.

Submission:

Labcorp Genetics (formerly Invitae), Labcorp
Classification: Uncertain significance for Congenital disorder of glycosylation type Ir. Last evaluated: 2025-09-25. Review status: criteria provided, single submitter. Criteria: Invitae Variant Classification Sherloc (09022015). Collection method: clinical testing. Allele origin: germline.
Comment: This sequence change replaces serine, which is neutral and polar, with phenylalanine, which is neutral and non-polar, at codon 312 of the DDOST protein (p.Ser312Phe). This variant is present in population databases (rs774456070, gnomAD 0.003%). This variant has not been reported in the literature in individuals affected with DDOST-related conditions. ClinVar contains an entry for this variant (Variation ID: 2130416). Invitae Evidence Modeling of protein sequence and biophysical properties (such as structural, functional, and spatial information, amino acid conservation, physicochemical variation, residue mobility, and thermodynamic stability) indicates that this missense variant is not expected to disrupt DDOST protein function with a negative predictive value of 80%. In summary, the available evidence is currently insufficient to determine the role of this variant in disease. Therefore, it has been classified as a Variant of Uncertain Significance.

NM_005216.5(DDOST):c.884C>T (p.Ser295Phe)

Gene: DDOST (dolichyl-diphosphooligosaccharide--protein glycosyltransferase non-catalytic subunit; minus strand). Cytogenetic location: 1p36.12.
Variant type: single nucleotide variant.
Coding change: c.884C>T on transcript NM_005216.5 (MANE Select); coding-DNA position 884, C replaced by T.
Protein change: p.Ser295Phe; replaces serine 295 with phenylalanine.
Molecular consequence: missense variant.
Genome position (GRCh38, 1-based): chr1:20,653,685, G>A on the plus strand (C>T on the coding strand, the complement: DDOST is on the minus strand). VCF-style: chr1-20653685-G-A. GRCh37 (hg19) VCF-style: chr1-20980178-G-A.
Other names: short protein forms S295F.
Identifiers: ClinVar variation 2130416 (VCV002130416.4), dbSNP rs774456070, ClinGen allele CA661098.